The following is an entry in ClinVar:

ClinVar aggregate classification (germline): Uncertain significance. Review status: criteria provided, multiple submitters, no conflicts (2 of 4 stars). 4 submissions from 4 submitters: Uncertain significance (4). Last evaluated 2026-01-30.

Conditions:
Intellectual developmental disorder, autosomal recessive 57. Also called: Intellectual disability, autosomal recessive 57. Identifiers: MedGen C4310673, MONDO:0014962, OMIM 617188.
MBOAT7-related disorder. Also called: MBOAT7-related condition.
Inborn genetic diseases. Identifiers: MedGen C0950123, MeSH D030342.

Allele frequency attached by ClinVar (database versions not stated): gnomAD 0.00005 and 0.00006; gnomAD exomes 0.00006 and 0.00002; 1000 Genomes Project 0.00020; ExAC 0.00002; TOPMed 0.00006; 1000 Genomes Project 30x 0.00016.
gnomAD v4.1: 106 of 1,606,228 alleles (0.0066%); highest among the groups gnomAD compares: Non-Finnish European, 0.0075%; no homozygotes.

Submissions (4):

GeneDx
Classification: Uncertain significance. Last evaluated: 2026-01-30. Review status: criteria provided, single submitter. Criteria: GeneDx Variant Classification Process June 2021. Collection method: clinical testing. Allele origin: germline.
Comment: In silico analysis supports that this missense variant has a deleterious effect on protein structure/function; Has not been previously published as pathogenic or benign to our knowledge

PreventionGenetics, part of Exact Sciences
Classification: Uncertain significance for MBOAT7-related condition. Last evaluated: 2025-05-18. Review status: criteria provided, single submitter. Criteria: ACMG Guidelines, 2015. Collection method: clinical testing. Allele origin: germline.
Comment: The MBOAT7 c.1229T>C variant is predicted to result in the amino acid substitution p.Met410Thr. To our knowledge, this variant has not been reported in the literature. This variant is reported in 0.0040% of alleles in individuals of European (Non-Finnish) descent in gnomAD. At this time, the clinical significance of this variant is uncertain due to the absence of conclusive functional and genetic evidence.

Ambry Genetics
Classification: Uncertain significance for Inborn genetic diseases. Last evaluated: 2025-03-18. Review status: criteria provided, single submitter. Criteria: Ambry Variant Classification Scheme 2023. Collection method: clinical testing. Allele origin: germline.

Baylor Genetics
Classification: Uncertain significance for Intellectual developmental disorder, autosomal recessive 57. Last evaluated: 2018-02-26. Review status: criteria provided, single submitter. Criteria: ACMG Guidelines, 2015. Collection method: clinical testing. Allele origin: unknown. Affected: yes.
Comment: This variant was determined to be of uncertain significance according to ACMG Guidelines, 2015 [PMID:25741868].

NM_024298.5(MBOAT7):c.1229T>C (p.Met410Thr)

Gene: MBOAT7 (membrane bound acylglycerophosphatidylinositol O-acyltransferase MBOAT7; minus strand). Cytogenetic location: 19q13.42.
Variant type: single nucleotide variant.
Coding change: c.1229T>C on transcript NM_024298.5 (MANE Select); coding-DNA position 1229, T replaced by C.
Protein change: p.Met410Thr; replaces methionine 410 with threonine.
Molecular consequence: missense variant.
Genome position (GRCh38, 1-based): chr19:54,174,234, A>G on the plus strand (T>C on the coding strand, the complement: MBOAT7 is on the minus strand). VCF-style: chr19-54174234-A-G. GRCh37 (hg19) VCF-style: chr19-54677928-A-G.
Other names: c.1010T>C, p.Met337Thr (NM_001146056.3, NM_001146083.3); c.1229T>C (NM_024298.4); short protein forms M337T, M410T.
Identifiers: ClinVar variation 1033618 (VCV001033618.4), dbSNP rs556354713, ClinGen allele CA309345231.